The following is an entry in ClinVar:

NM_018136.5(ASPM):c.5575A>G (p.Arg1859Gly)

Gene: ASPM (assembly factor for spindle microtubules; minus strand). Cytogenetic location: 1q31.3.
Variant type: single nucleotide variant.
Coding change: c.5575A>G on transcript NM_018136.5 (MANE Select); coding-DNA position 5575, A replaced by G.
Protein change: p.Arg1859Gly; replaces arginine 1859 with glycine.
Molecular consequence: missense variant. On other transcripts: intron variant (1).
Genome position (GRCh38, 1-based): chr1:197,103,676, T>C on the plus strand (A>G on the coding strand, the complement: ASPM is on the minus strand). VCF-style: chr1-197103676-T-C. GRCh37 (hg19) VCF-style: chr1-197072806-T-C.
Other names: c.4066-7512A>G (NM_001206846.2); short protein forms R1859G.
Identifiers: ClinVar variation 2134107 (VCV002134107.4), dbSNP rs1044369344, ClinGen allele CA35873626.
Genomic context (GRCh38, chr1:197,103,676, plus strand): 5'-TCACAGCTGCCTTTGTCTTCAAAAAATGTGTTCTTGTATCATGAAGAGTCTTGTACGCCC[T>C]GTACCATCTCTGAATCTTTATTATAGATTGAAGCACAGATTGATATTTTACCCTTTTATT-3'
Protein context (NP_060606.3, residues 1849-1869): QSIIKIQRWY[Arg1859Gly]AYKTLHDTRT

ClinVar aggregate classification (germline): Uncertain significance (1 of 4 stars; one submission).

Allele frequency attached by ClinVar (database versions not stated): TOPMed below 0.00001.

Submission:

Labcorp Genetics (formerly Invitae), Labcorp
Classification: Uncertain significance. Last evaluated: 2022-08-15. Review status: criteria provided, single submitter. Criteria: Invitae Variant Classification Sherloc (09022015). Collection method: clinical testing. Allele origin: germline.
Comment: In summary, the available evidence is currently insufficient to determine the role of this variant in disease. Therefore, it has been classified as a Variant of Uncertain Significance. Algorithms developed to predict the effect of missense changes on protein structure and function (SIFT, PolyPhen-2, Align-GVGD) all suggest that this variant is likely to be disruptive. This variant has not been reported in the literature in individuals affected with ASPM-related conditions. This variant is not present in population databases (gnomAD no frequency). This sequence change replaces arginine, which is basic and polar, with glycine, which is neutral and non-polar, at codon 1859 of the ASPM protein (p.Arg1859Gly).